The following is an entry in ClinVar:

NM_000558.5(HBA1):c.126_129del (p.Tyr43fs)

Genes: HBA1 (hemoglobin subunit alpha 1; plus strand), LOC106804613 (hemoglobin subunit alpha 1 recombination region; plus strand). Cytogenetic location: 16p13.3.
Variant type: Deletion.
Coding change: c.126_129del on transcript NM_000558.5 (MANE Select); coding-DNA positions 126 to 129, 4 bases deleted (CTAC; older notation c.126_129delCTAC).
Protein change: p.Tyr43fs; shifts the reading frame from tyrosine 43.
Molecular consequence: frameshift variant.
Genome position (GRCh38, 1-based): chr16:176,959-176,962, CTAC deleted; deleting any 4 consecutive bases within chr16:176,957-176,962 gives the same sequence; the c. name uses the placement nearest the transcript's 3' end. VCF-style (leftmost placement, unchanged base first): chr16-176956-GACCT-G. GRCh37 (hg19) VCF-style: chr16-226955-GACCT-G.
Other names: short protein forms Y43fs.
Identifiers: ClinVar variation 4814368 (VCV004814368.1).

ClinVar aggregate classification (germline): Likely pathogenic (1 of 4 stars; one submission).

Conditions:
alpha Thalassemia. Also called: Alpha thalassemia spectrum. Identifiers: Orphanet 846, MedGen C0002312, MONDO:0011399, OMIM 604131.

Submission:

Natera, Inc.
Classification: Likely pathogenic for Alpha thalassemia. Last evaluated: 2025-10-10. Review status: criteria provided, single submitter. Criteria: Natera Variant Classification Schema (03/2026). Collection method: clinical testing. Allele origin: germline.
Comment: The c.126_129delCTAC variant in HBA1 is a frameshift variant predicted to shift the reading frame beginning at codon 43 and leads to a stop codon 6 codons downstream. This variant is expected to result in nonsense mediated decay, truncation, or a dysfunctional protein product. This variant is rare in the general population with a frequency below the threshold expected for the associated phenotype(s). Given the available evidence, this variant is classified as Likely Pathogenic.